The following is an entry in ClinVar:

NM_001009944.3(PKD1):c.10051-1G>A

Gene: PKD1 (polycystin 1, transient receptor potential channel interacting; minus strand). Cytogenetic location: 16p13.3.
Variant type: single nucleotide variant.
Coding change: c.10051-1G>A on transcript NM_001009944.3 (MANE Select); the canonical splice acceptor site of the intron before coding-DNA position 10051, G replaced by A.
Molecular consequence: splice acceptor variant.
Genome position (GRCh38, 1-based): chr16:2,097,985, C>T on the plus strand (G>A on the coding strand, the complement: PKD1 is on the minus strand). VCF-style: chr16-2097985-C-T. GRCh37 (hg19) VCF-style: chr16-2147986-C-T.
Other names: c.10051-1G>A (NM_000296.4).
Identifiers: ClinVar variation 3896516 (VCV003896516.2).

ClinVar aggregate classification (germline): Likely pathogenic (1 of 4 stars; one submission).

Conditions:
PKD1-Biallelic Autosomal Recessive Polycystic Kidney Disease.

Submission:

Women's Health and Genetics/Laboratory Corporation of America, LabCorp
Classification: Likely pathogenic for PKD1-Biallelic Autosomal Recessive Polycystic Kidney Disease. Last evaluated: 2025-04-03. Review status: criteria provided, single submitter. Criteria: LabCorp Variant Classification Summary - May 2015. Collection method: clinical testing. Allele origin: germline.
Comment: Variant summary: PKD1 c.10051-1G>A is located in a canonical splice-site and is predicted to affect mRNA splicing resulting in a significantly altered protein due to either exon skipping, shortening, or inclusion of intronic material. Variants that disrupt the consensus splice site are a relatively common cause of aberrant splicing and loss of PKD1 function. Several computational tools predict a significant impact on normal splicing: Four predict the variant abolishes a 3' acceptor site. However, these predictions have yet to be confirmed by functional studies. The frequency data for this variant in gnomAD is considered unreliable, as metrics indicate poor data quality at this position. To our knowledge, no occurrence of c.10051-1G>A in individuals affected with PKD1-Biallelic Autosomal Recessive Polycystic Kidney Disease and no experimental evidence demonstrating its impact on protein function have been reported. No submitters have cited clinical-significance assessments for this variant to ClinVar. Based on the evidence outlined above, the variant was classified as likely pathogenic.